The following is an entry in ClinVar:

ClinVar aggregate classification (germline): Pathogenic (1 of 4 stars; one submission).

Conditions:
Ataxia-telangiectasia syndrome (AT). Also called: Ataxia telangiectasia (A-T); ATAXIA-TELANGIECTASIA, COMPLEMENTATION GROUP A; ATAXIA-TELANGIECTASIA, FRESNO VARIANT; Ataxia-telangiectasia; Ataxia-telangiectasia, complementation group E; LOUIS-BAR SYNDROME. Identifiers: Orphanet 100, MedGen C0004135, MONDO:0008840, OMIM 208900.

Submission:

Labcorp Genetics (formerly Invitae), Labcorp
Classification: Pathogenic for Ataxia-telangiectasia syndrome. Last evaluated: 2022-08-16. Review status: criteria provided, single submitter. Criteria: Invitae Variant Classification Sherloc (09022015). Collection method: clinical testing. Allele origin: germline.
Comment: This sequence change creates a premature translational stop signal (p.Cys2704Leufs*14) in the ATM gene. It is expected to result in an absent or disrupted protein product. Loss-of-function variants in ATM are known to be pathogenic (PMID: 23807571, 25614872). This variant is not present in population databases (gnomAD no frequency). This variant has not been reported in the literature in individuals affected with ATM-related conditions. ClinVar contains an entry for this variant (Variation ID: 1076423). For these reasons, this variant has been classified as Pathogenic.

Literature cited by the submitters: PubMed 23807571; PubMed 25614872.

NM_000051.4(ATM):c.8110dup (p.Cys2704fs)

Genes: ATM (ATM serine/threonine kinase; plus strand), C11orf65 (chromosome 11 open reading frame 65; minus strand). Cytogenetic location: 11q22.3.
Variant type: Duplication.
Coding change: c.8110dup on transcript NM_000051.4 (MANE Select); coding-DNA position 8110, one base duplicated (T; older notation c.8110dupT).
Protein change: p.Cys2704fs; shifts the reading frame from cysteine 2704.
Molecular consequence: frameshift variant. On other transcripts: intron variant (2).
Genome position (GRCh38, 1-based): chr11:108,335,068, T duplicated; the last of 2 consecutive T bases (chr11:108,335,067-108,335,068); duplicating either gives the same sequence. VCF-style (leftmost placement, unchanged base first): chr11-108335066-A-AT. GRCh37 (hg19) VCF-style: chr11-108205793-A-AT.
Other names: c.8110dup, p.Cys2704fs (NM_001351834.2); c.641-25996dup (NM_001330368.2); c.*38+153dup (NM_001351110.2); short protein forms C2704fs.
Identifiers: ClinVar variation 1076423 (VCV001076423.8), dbSNP rs2136661900, ClinGen allele CA2499220718.